The following is an entry in ClinVar:

NM_001370658.1(BTD):c.1429C>T (p.Pro477Ser)

Gene: BTD (biotinidase; plus strand). Cytogenetic location: 3p25.1.
Variant type: single nucleotide variant.
Coding change: c.1429C>T on transcript NM_001370658.1 (MANE Select); coding-DNA position 1429, C replaced by T.
Protein change: p.Pro477Ser; replaces proline 477 with serine.
Molecular consequence: missense variant. On other transcripts: intron variant (8).
Genome position (GRCh38, 1-based): chr3:15,645,345, C>T. VCF-style: chr3-15645345-C-T. GRCh37 (hg19) VCF-style: chr3-15686852-C-T.
Other names: c.1429C>T, p.Pro477Ser (NM_001407369.1, NM_001407370.1, NM_001407371.1 and 16 more transcripts); c.1489C>T, p.Pro497Ser (NM_000060.4); c.1015+414C>T (NM_001370752.1, NM_001407379.1); c.399+3288C>T (NM_001370753.1, NM_001407400.1, NM_001407380.1 and 3 more transcripts); short protein forms P477S.
Identifiers: ClinVar variation 25094 (VCV000025094.47), dbSNP rs138818907, ClinGen allele CA220317.

ClinVar aggregate classification (germline): Pathogenic/Likely pathogenic. Review status: criteria provided, multiple submitters, no conflicts (2 of 4 stars). 17 submissions from 17 submitters: Pathogenic (15); Likely pathogenic (1). 1 of the submissions does not count toward it. Last evaluated 2026-01-20.

Conditions:
BTD-related disorder. Also called: BTD-related condition.
Biotinidase deficiency. Also called: Biotin deficiency; BTD deficiency; Late-onset biotin-responsive multiple carboxylase deficiency. Identifiers: Orphanet 79241, MedGen C0220754, MONDO:0009665, OMIM 253260.

Allele frequency attached by ClinVar (database versions not stated): gnomAD 0.00012 and 0.00011; gnomAD exomes 0.00002; 1000 Genomes Project 0.00020; ExAC 0.00002; ESP Exome Variant Server 0.00008; TOPMed 0.00010; 1000 Genomes Project 30x 0.00016.
gnomAD v4.1: 54 of 1,614,204 alleles (0.0033%); highest among the groups gnomAD compares: African/African-American, 0.057%; no homozygotes.

Submissions (17):

Labcorp Genetics (formerly Invitae), Labcorp
Classification: Pathogenic for Biotinidase deficiency. Last evaluated: 2026-01-20. Review status: criteria provided, single submitter. Criteria: Invitae Variant Classification Sherloc (09022015). Collection method: clinical testing. Allele origin: germline.
Comment: This sequence change replaces proline, which is neutral and non-polar, with serine, which is neutral and polar, at codon 497 of the BTD protein (p.Pro497Ser). This variant is present in population databases (rs138818907, gnomAD 0.04%). This missense change has been observed in individual(s) with with profound biotinidase deficiency and in combination with other variants in individuals with partial biotinidase deficiency (PMID: 10400129, 15776412, 19757147, 20224900, 25754625, 26361991, 26810761). ClinVar contains an entry for this variant (Variation ID: 25094). Invitae Evidence Modeling of protein sequence and biophysical properties (such as structural, functional, and spatial information, amino acid conservation, physicochemical variation, residue mobility, and thermodynamic stability) indicates that this missense variant is expected to disrupt BTD protein function with a positive predictive value of 95%. For these reasons, this variant has been classified as Pathogenic.

Natera, Inc.
Classification: Pathogenic for Biotinidase deficiency. Last evaluated: 2025-12-16. Review status: criteria provided, single submitter. Criteria: Natera Variant Classification Schema (03/2026). Collection method: clinical testing. Allele origin: germline.
Comment: The c.1429C>T variant in BTD is a missense variant predicted to cause substitution of proline to serine at amino acid 477. This variant is rare in the general population with a frequency below the threshold expected for the associated phenotype(s). This variant has been observed in one or more individuals affected with the associated recessive disease, as either homozygous or compound heterozygous with a second variant (PMID: 25423671, 36703223). Given the available evidence, this variant is classified as Pathogenic.

3billion
Classification: Pathogenic for Biotinidase deficiency. Last evaluated: 2025-08-19. Review status: criteria provided, single submitter. Criteria: ACMG Guidelines, 2015. Collection method: clinical testing. Allele origin: germline. Affected: yes.
Comment: The variant is observed at an extremely low frequency in the gnomAD v4.1.0 dataset (total allele frequency: 0.003%). Predicted Consequence/Location: Missense variant In silico tool predictions suggest damaging effect of the variant on gene or gene product [REVEL: 0.90 (>=0.6, sensitivity 0.68 and specificity 0.92); 3Cnet: 0.99 (> 0.75, sensitivity 0.96 and precision 0.92)]. The same nucleotide change resulting in the same amino acid change has been previously reported as pathogenic/likely pathogenic with strong evidence (ClinVar ID: VCV000025094 /PMID: 10400129). The variant has been reported to be in trans with a pathogenic variant as either compound heterozygous or homozygous in at least 2 similarly affected unrelated individuals (PMID: 15776412, 19757147, 20224900). Therefore, this variant is classified as Pathogenic according to the recommendation of ACMG/AMP guideline.

CeGaT Center for Human Genetics Tuebingen
Classification: Pathogenic. Last evaluated: 2025-04-01. Review status: criteria provided, single submitter. Criteria: CeGaT Center For Human Genetics Tuebingen Variant Classification Criteria Version 2. Collection method: clinical testing. Allele origin: germline. Affected: yes. Observed: 1 variant allele.
Comment: BTD: PM3:Very Strong, PM1, PM2, PP4

Dubai Health Genomic Medicine Center, Dubai Health
Classification: Pathogenic for Biotinidase deficiency. Last evaluated: 2024-10-04. Review status: criteria provided, single submitter. Criteria: ACMG Guidelines, 2015. Collection method: research. Allele origin: germline. Affected: yes.
Comment: PM3_VeryStrong, PM2, PP4

Genomic Medicine Center of Excellence, King Faisal Specialist Hospital and Research Centre
Classification: Pathogenic for Biotinidase deficiency. Last evaluated: 2024-03-17. Review status: criteria provided, single submitter. Criteria: ACMG Guidelines, 2015. Collection method: research. Allele origin: germline.

Baylor Genetics
Classification: Likely pathogenic for Biotinidase deficiency. Last evaluated: 2024-03-02. Review status: criteria provided, single submitter. Criteria: ACMG Guidelines, 2015. Collection method: clinical testing. Allele origin: unknown.

Fulgent Genetics
Classification: Pathogenic for Biotinidase deficiency. Last evaluated: 2024-02-15. Review status: criteria provided, single submitter. Criteria: ACMG Guidelines, 2015. Collection method: clinical testing. Allele origin: germline.

Revvity Omics, Revvity
Classification: Pathogenic for Biotinidase deficiency. Last evaluated: 2023-12-14. Review status: criteria provided, single submitter. Criteria: ACMG Guidelines, 2015. Collection method: clinical testing. Allele origin: germline.

Blueprint Genetics
Classification: Pathogenic for BTD-related disorders. Last evaluated: 2022-06-22. Review status: criteria provided, single submitter. Criteria: ACMG Guidelines, 2015. Collection method: clinical testing. Allele origin: germline. Affected: yes. Observed: 5 variant alleles.

Women's Health and Genetics/Laboratory Corporation of America, LabCorp
Classification: Pathogenic for Biotinidase deficiency. Last evaluated: 2022-05-10. Review status: criteria provided, single submitter. Criteria: LabCorp Variant Classification Summary - May 2015. Collection method: clinical testing. Allele origin: germline.
Comment: Variant summary: BTD c.1429C>T (p.Pro477Ser) results in a non-conservative amino acid change in the Vanin, C-terminal domain (IPR043957) of the encoded protein sequence. Five of five in-silico tools predict a damaging effect of the variant on protein function. The variant allele was found at a frequency of 3.9e-05 in 282800 control chromosomes (gnomAD). This frequency is not higher than the estimated maximum expected for a pathogenic variant in BTD causing Biotinidase Deficiency (3.9e-05 vs 0.0046), allowing no conclusion about variant significance. c.1429C>T has been reported in the literature in multiple compound heterozygous (e.g. Norrgard_1999, Sarafoglou_2009, Kasapkara_2015) and homozygous (e.g. Sarafoglou_2009, Ercan_2021) individuals affected mostly with profound Biotinidase Deficiency. These data indicate that the variant is very likely to be associated with disease. Seven ClinVar submitters have assessed the variant since 2014: one classified the variant as likely pathogenic and six as pathogenic. Based on the evidence outlined above, the variant was classified as pathogenic.

GeneDx
Classification: Pathogenic. Last evaluated: 2022-03-15. Review status: criteria provided, single submitter. Criteria: GeneDx Variant Classification Process June 2021. Collection method: clinical testing. Allele origin: germline. Affected: yes.
Comment: In silico analysis, which includes protein predictors and evolutionary conservation, supports a deleterious effect; This variant is associated with the following publications: (PMID: 25087612, 15776412, 26589311, 19757147, 25423671, 25754625, 20224900, 24516753, 29353266, 25967232, 28498829, 26361991, 26810761, 10400129)

Genetic Services Laboratory, University of Chicago
Classification: Pathogenic. Last evaluated: 2017-11-27. Review status: criteria provided, single submitter. Criteria: ACMG Guidelines, 2015. Collection method: clinical testing. Allele origin: germline. Affected: yes.

Center for Pediatric Genomic Medicine, Children's Mercy Hospital and Clinics
Classification: Pathogenic. Last evaluated: 2017-05-09. Review status: criteria provided, single submitter. Criteria: ACMG Guidelines, 2015. Collection method: clinical testing. Allele origin: germline.

Eurofins Ntd Llc (ga)
Classification: Pathogenic. Last evaluated: 2012-09-10. Review status: criteria provided, single submitter. Criteria: EGL Classification Definitions. Collection method: clinical testing. Allele origin: germline. Observed: 3 variant alleles, 2 heterozygotes, 1 homozygote.

Neuberg Centre For Genomic Medicine, NCGM
Classification: Pathogenic for Biotinidase deficiency. Review status: criteria provided, single submitter. Criteria: ACMG Guidelines, 2015. Collection method: clinical testing. Allele origin: germline. Inheritance: Autosomal recessive inheritance. Affected: yes.
Comment: The missense c.1429C>T (p.Pro477Ser) variant in BTD gene has been reported previously in both homozygous and compound heterozygous state in multiple individuals affected with profound biotinidase deficiency (Sarafoglou et al. 2009; Kasapkara et al.2015; Procter et al. 2016). The p.Pro477Ser variant is reported with an allele frequency of 0.002% in the gnomAD exomes database and is novel (not in any individuals) in 1000 Genomes database. This variant has been reported to the ClinVar database as Likely Pathogenic / Pathogenic (multiple submissions). The amino acid change p.Pro477Ser in BTD is predicted as conserved by GERP++ and PhyloP across 100 vertebrates. The amino acid Pro at position 477 is changed to a Ser changing protein sequence and it might alter its composition and physico-chemical properties. Additional studies will be required to prove the pathogenicity of this variant. For these reasons, this variant has been classified as Pathogenic.

Counsyl
Classification: Likely pathogenic for Biotinidase deficiency. Last evaluated: 2017-12-21. Review status: no assertion criteria provided. Collection method: clinical testing. Allele origin: unknown. Not counted in ClinVar's aggregate classification.

Literature cited by the submitters: PubMed 10400129 (cited by 4 submitters); PubMed 15776412 (cited by 3 submitters); PubMed 19757147 (cited by 4 submitters); PubMed 20224900 (cited by 3 submitters); PubMed 25754625 (cited by Labcorp Genetics (formerly Invitae), Labcorp and Counsyl); PubMed 26361991 (cited by Labcorp Genetics (formerly Invitae), Labcorp and Counsyl); PubMed 26810761 (cited by Labcorp Genetics (formerly Invitae), Labcorp and Counsyl); PubMed 25423671 (cited by 3 submitters); PubMed 36703223 (cited by Natera, Inc.); PubMed 33189081 (cited by Women's Health and Genetics/Laboratory Corporation of America, LabCorp); PubMed 25087612 (cited by Counsyl); PubMed 25967232 (cited by Counsyl); PubMed 24516753 (cited by Counsyl).